The following is an entry in ClinVar:

ClinVar aggregate classification (germline): Uncertain significance (1 of 4 stars; one submission).

Conditions:
Timothy syndrome (TS). Also called: LONG QT SYNDROME WITH SYNDACTYLY. Identifiers: Orphanet 65283, MedGen C1832916, MeSH C536962, MONDO:0010979, OMIM 601005.

Submission:

Neuberg Centre For Genomic Medicine, NCGM
Classification: Uncertain significance for Timothy syndrome. Review status: criteria provided, single submitter. Criteria: ACMG Guidelines, 2015. Collection method: clinical testing. Allele origin: germline. Affected: yes.
Comment: The in-frame insertion p.A2108_E2112dup in CACNA1C (NM_000719.7) has not been reported previously as a pathogenic variant nor as a benign variant, to our knowledge. The p.A2108_E2112dup variant is novel (not in any individuals) in gnomAD Exomes and is novel (not in any individuals) in 1000 Genomes. This variant results in an insertion of 5 amino acid residues starting at 2113, including AlaGlyGlyGluGlu. However, as this is an in-frame insertion, it is not expected to result in either a truncated protein product or loss of protein through nonsense-mediated mRNA decay. The p.A2108_E2112dup variant is not in a repeat region. The p.A2108_E2112dup variant results in a insertion of a base that is predicted conserved by GERP++ and PhyloP. The nucleotide c.6338 in CACNA1C is predicted conserved by GERP++ and PhyloP across 100 vertebrates. For these reasons, this variant has been classified as Uncertain Significance

NM_000719.7(CACNA1C):c.6323_6337dup (p.Glu2112_Asp2113insAlaGlyGlyGluGlu)

Genes: CACNA1C (calcium voltage-gated channel subunit alpha1 C; plus strand), CACNA1C-AS1 (CACNA1C antisense RNA 1; minus strand). Cytogenetic location: 12p13.33.
Variant type: Duplication.
Coding change: c.6323_6337dup on transcript NM_000719.7 (MANE Select); coding-DNA positions 6323 to 6337, 15 bases duplicated (CCGGGGGCGAAGAGG).
Protein change: p.Glu2112_Asp2113insAlaGlyGlyGluGlu.
Molecular consequence: inframe insertion. On other transcripts: non-coding transcript variant (1), inframe indel (1).
Genome position (GRCh38, 1-based): chr12:2,691,105-2,691,119, CCGGGGGCGAAGAGG duplicated; duplicating any 15 consecutive bases within chr12:2,691,104-2,691,119 gives the same sequence; the c. name uses the placement nearest the transcript's 3' end. VCF-style (leftmost placement, unchanged base first): chr12-2691103-A-AGCCGGGGGCGAAGAG. GRCh37 (hg19) VCF-style: chr12-2800269-A-AGCCGGGGGCGAAGAG.
Other names: c.6467_6481dup, p.Glu2160_Asp2161insAlaGlyGlyGluGlu (NM_001129827.2); c.6446_6460dup, p.Glu2153_Asp2154insAlaGlyGlyGluGlu (NM_001129829.2); c.6428_6442dup, p.Glu2147_Asp2148insAlaGlyGlyGluGlu (NM_001129830.3, NM_001167624.3); c.6407_6421dup, p.Glu2140_Asp2141insAlaGlyGlyGluGlu (NM_001129831.2); c.6383_6397dup, p.Glu2132_Asp2133insAlaGlyGlyGluGlu (NM_001129832.2); c.6380_6394dup, p.Glu2131_Asp2132insAlaGlyGlyGluGlu (NM_001129833.2, NM_001129834.2, NM_001129835.2); c.6374_6388dup, p.Glu2129_Asp2130insAlaGlyGlyGluGlu (NM_001129836.2); c.6347_6361dup, p.Glu2120_Asp2121insAlaGlyGlyGluGlu (NM_001129837.2, NM_001129838.2); and 7 more.
Identifiers: ClinVar variation 1878644 (VCV001878644.1), dbSNP rs2535512704, ClinGen allele CA2580085148.